The following is an entry in ClinVar:

ClinVar aggregate classification (germline): Uncertain significance (1 of 4 stars; one submission).

Conditions:
Hereditary breast ovarian cancer syndrome. Also called: Hereditary breast and ovarian cancer syndrome (HBOC); Hereditary breast and ovarian cancer; BRCA1- and BRCA2-Associated Hereditary Breast and Ovarian Cancer; Breast and ovarian cancer; Hereditary breast and ovarian cancer syndrome; Hereditary breast and/or ovarian cancer syndrome. Identifiers: Orphanet 145, MedGen C0677776, MeSH D061325, MONDO:0003582. Disease mechanism: loss of function.

Submissions (2):

Labcorp Genetics (formerly Invitae), Labcorp
Classification: Uncertain significance for Hereditary breast ovarian cancer syndrome. Last evaluated: 2018-10-31. Review status: criteria provided, single submitter. Criteria: Invitae Variant Classification Sherloc (09022015). Collection method: clinical testing. Allele origin: germline.
Comment: In summary, the available evidence is currently insufficient to determine the role of this variant in disease. Therefore, it has been classified as a Variant of Uncertain Significance. Algorithms developed to predict the effect of missense changes on protein structure and function (SIFT, PolyPhen-2, Align-GVGD) all suggest that this variant is likely to be tolerated, but these predictions have not been confirmed by published functional studies and their clinical significance is uncertain. This variant has been reported in individuals in the Leiden Open-source Variation Database (PMID: 21520333). This variant is not present in population databases (ExAC no frequency). This sequence change replaces arginine with glycine at codon 1634 of the BRCA1 protein (p.Arg1634Gly). The arginine residue is weakly conserved and there is a moderate physicochemical difference between arginine and glycine.

Brotman Baty Institute, University of Washington
No classification provided (evidence only). Condition: Breast-ovarian cancer, familial 1. Review status: no classification provided. Collection method: in vitro. Allele origin: not applicable. Functional consequence: functionally_normal. Not counted in ClinVar's aggregate classification.
ClinVar note: "not provided" was previously submitted as the classification for the variant. However, the classification appeared to be based only on an observation of functional data so it was converted to no classification on 2025-07-30.

Literature cited by the submitters: PubMed 21520333 (cited by Labcorp Genetics (formerly Invitae), Labcorp).

NM_007294.4(BRCA1):c.4900A>G (p.Arg1634Gly)

Gene: BRCA1 (BRCA1 DNA repair associated; minus strand). Cytogenetic location: 17q21.31.
Variant type: single nucleotide variant.
Coding change: c.4900A>G on transcript NM_007294.4 (MANE Select); coding-DNA position 4900, A replaced by G.
Protein change: p.Arg1634Gly; replaces arginine 1634 with glycine.
Molecular consequence: missense variant. On other transcripts: non-coding transcript variant (1).
Genome position (GRCh38, 1-based): chr17:43,071,014, T>C on the plus strand (A>G on the coding strand, the complement: BRCA1 is on the minus strand). VCF-style: chr17-43071014-T-C. GRCh37 (hg19) VCF-style: chr17-41223031-T-C.
Other names: c.4687A>G, p.Arg1563Gly (NM_001407571.1, NM_001407898.1, NM_001407899.1 and 12 more transcripts); c.4966A>G, p.Arg1656Gly (NM_001407581.1, NM_001407582.1); c.4963A>G, p.Arg1655Gly (NM_001407583.1, NM_001407585.1, NM_001407587.1 and 1 more transcripts); c.4960A>G, p.Arg1654Gly (NM_001407590.1, NM_001407591.1); c.4900A>G, p.Arg1634Gly (NM_001407593.1, NM_001407594.1, NM_001407596.1 and 8 more transcripts); c.4897A>G, p.Arg1633Gly (NM_001407610.1, NM_001407611.1, NM_001407612.1 and 17 more transcripts); c.4894A>G, p.Arg1632Gly (NM_001407627.1, NM_001407628.1, NM_001407629.1 and 14 more transcripts); c.4885A>G, p.Arg1629Gly (NM_001407647.1); and 70 more; short protein forms R1634G, R530G, R1655G, R1587G, R1337G, R1506G, R1546G, R1562G.
Identifiers: ClinVar variation 650798 (VCV000650798.12), dbSNP rs1597830733, ClinGen allele CA10591725.
Genomic context (GRCh38, chr17:43,071,014, plus strand): 5'-CCACCATGGACATTCTTTTGTTGACCCTTTCTGTTGAAGCTGTCAATTCTGGCTTCTCCC[T>C]GCTCACACTTTCTTCCATTGCATTATACCCAGCAGTATCAGTAGTATGAGCAGCAGCTGG-3'
Protein context (NP_009225.1, residues 1624-1644): GYNAMEESVS[Arg1634Gly]EKPELTASTE